The following is an entry in ClinVar:

ClinVar aggregate classification (germline): Uncertain significance (1 of 4 stars; one submission).

Conditions:
POLD1-related polyposis and colorectal cancer syndrome (CRCS10). Also called: Colorectal cancer 10; COLORECTAL CANCER, SUSCEPTIBILITY TO, ON CHROMOSOME 19q; Colorectal cancer, susceptibility to, 10. Identifiers: Orphanet 220460, MedGen C2675481, MONDO:0012953, OMIM 612591.

Submission:

Labcorp Genetics (formerly Invitae), Labcorp
Classification: Uncertain significance for POLD1-related polyposis and colorectal cancer syndrome. Last evaluated: 2023-10-09. Review status: criteria provided, single submitter. Criteria: Invitae Variant Classification Sherloc (09022015). Collection method: clinical testing. Allele origin: germline.
Comment: This sequence change replaces aspartic acid, which is acidic and polar, with glutamic acid, which is acidic and polar, at codon 1091 of the POLD1 protein (p.Asp1091Glu). This variant is not present in population databases (gnomAD no frequency). This variant has not been reported in the literature in individuals affected with POLD1-related conditions. ClinVar contains an entry for this variant (Variation ID: 1429784). Advanced modeling of protein sequence and biophysical properties (such as structural, functional, and spatial information, amino acid conservation, physicochemical variation, residue mobility, and thermodynamic stability) performed at Invitae indicates that this missense variant is not expected to disrupt POLD1 protein function. In summary, the available evidence is currently insufficient to determine the role of this variant in disease. Therefore, it has been classified as a Variant of Uncertain Significance.

NM_002691.4(POLD1):c.3273C>G (p.Asp1091Glu)

Gene: POLD1 (DNA polymerase delta 1, catalytic subunit; plus strand). Cytogenetic location: 19q13.33.
Variant type: single nucleotide variant.
Coding change: c.3273C>G on transcript NM_002691.4 (MANE Select); coding-DNA position 3273, C replaced by G.
Protein change: p.Asp1091Glu; replaces aspartic acid 1091 with glutamic acid.
Molecular consequence: missense variant. On other transcripts: non-coding transcript variant (1).
Genome position (GRCh38, 1-based): chr19:50,417,896, C>G. VCF-style: chr19-50417896-C-G. GRCh37 (hg19) VCF-style: chr19-50921153-C-G.
Other names: c.3273C>G, p.Asp1091Glu (NM_001256849.1); c.3351C>G, p.Asp1117Glu (NM_001308632.1); short protein forms D1091E, D1117E.
Identifiers: ClinVar variation 1429784 (VCV001429784.6), dbSNP rs2122522291, ClinGen allele CA406987816.